The following is an entry in ClinVar:

Conditions:
Arteriohepatic dysplasia. Also called: Alagille Syndrome. Identifiers: Orphanet 52, MedGen C0085280, MeSH D016738, MONDO:0007318.

Submission:

Gilbert/Spinner Lab, Children's Hospital of Philadelphia
No classification provided (evidence only). Condition: Alagille syndrome. Review status: no classification provided. Collection method: research. Allele origin: not applicable. Functional consequence: functionally_abnormal.
ClinVar note: "not provided" was previously submitted as the classification for the variant. However, the classification appeared to be based only on an observation of functional data so it was converted to no classification on 2025-07-30.

NM_000214.3(JAG1):c.827G>T (p.Cys276Phe)

Gene: JAG1 (jagged canonical Notch ligand 1; minus strand). Cytogenetic location: 20p12.2.
Variant type: single nucleotide variant.
Coding change: c.827G>T on transcript NM_000214.3 (MANE Select); coding-DNA position 827, G replaced by T.
Protein change: p.Cys276Phe; replaces cysteine 276 with phenylalanine.
Molecular consequence: missense variant.
Genome position (GRCh38, 1-based): chr20:10,652,527, C>A on the plus strand (G>T on the coding strand, the complement: JAG1 is on the minus strand). VCF-style: chr20-10652527-C-A. GRCh37 (hg19) VCF-style: chr20-10633175-C-A.
Other names: short protein forms C276F.
Identifiers: ClinVar variation 3573122 (VCV003573122.2).